The following is an entry in ClinVar:

ClinVar aggregate classification (germline): Uncertain significance. Review status: criteria provided, multiple submitters, no conflicts (2 of 4 stars). 3 submissions from 3 submitters: Uncertain significance (3). Last evaluated 2025-03-04.

Conditions:
Intellectual developmental disorder, X-linked 81. Also called: Intellectual disability, X-linked 81; MRX81. Identifiers: Orphanet 777, MedGen C1845531, MONDO:0010324, OMIM 300433.
Intellectual disability, X-linked 49 (MRXSRC). Also called: MENTAL RETARDATION, X-LINKED 15; MRX49; CLCN4-Related Neurodevelopmental Disorder; CLCN4-related X-linked intellectual disability syndrome; RAYNAUD-CLAES SYNDROME. Identifiers: Orphanet 485350, Orphanet 777, MedGen C0796221, MONDO:0010250, OMIM 300114.

Allele frequency attached by ClinVar (database versions not stated): gnomAD exomes below 0.00001; TOPMed 0.00001.
gnomAD v4.1: 1 of 1,210,946 alleles (0.000083%); highest among the groups gnomAD compares: Non-Finnish European, 0.00011%; no homozygotes.

Submissions (3):

Institute of Human Genetics, University of Leipzig Medical Center
Classification: Uncertain significance for Intellectual developmental disorder, X-linked 81. Last evaluated: 2025-03-04. Review status: criteria provided, single submitter. Criteria: ACMG Guidelines, 2015. Collection method: clinical testing. Allele origin: unknown. Inheritance: Autosomal dominant inheritance. Affected: yes.
Comment: Criteria applied: PM2,PP2,PP3

Labcorp Genetics (formerly Invitae), Labcorp
Classification: Uncertain significance. Last evaluated: 2022-07-06. Review status: criteria provided, single submitter. Criteria: Invitae Variant Classification Sherloc (09022015). Collection method: clinical testing. Allele origin: germline.
Comment: This sequence change replaces serine, which is neutral and polar, with leucine, which is neutral and non-polar, at codon 69 of the CLCN4 protein (p.Ser69Leu). In summary, the available evidence is currently insufficient to determine the role of this variant in disease. Therefore, it has been classified as a Variant of Uncertain Significance. Algorithms developed to predict the effect of missense changes on protein structure and function are either unavailable or do not agree on the potential impact of this missense change (SIFT: "Tolerated"; PolyPhen-2: "Possibly Damaging"; Align-GVGD: "Class C0"). This variant has not been reported in the literature in individuals affected with CLCN4-related conditions. This variant is not present in population databases (gnomAD no frequency).

Gene2Care/ Palmer Lab, University of New South Wales
Classification: Uncertain significance for Intellectual disability, X-linked 49. Last evaluated: 2022-05-27. Review status: criteria provided, single submitter. Criteria: ACMG Guidelines, 2015. Collection method: clinical testing. Allele origin: germline. Affected: yes.

NM_001830.4(CLCN4):c.206C>T (p.Ser69Leu)

Gene: CLCN4 (Cl-/H+ antiporter 4; plus strand). Cytogenetic location: Xp22.2.
Variant type: single nucleotide variant.
Coding change: c.206C>T on transcript NM_001830.4 (MANE Select); coding-DNA position 206, C replaced by T.
Protein change: p.Ser69Leu; replaces serine 69 with leucine.
Molecular consequence: missense variant. On other transcripts: intron variant (1).
Genome position (GRCh38, 1-based): chrX:10,187,576, C>T. VCF-style: chrX-10187576-C-T. GRCh37 (hg19) VCF-style: chrX-10155616-C-T.
Other names: c.-38-7335C>T (NM_001256944.2); short protein forms S69L.
Identifiers: ClinVar variation 1691406 (VCV001691406.8), dbSNP rs764804263, ClinGen allele CA326599345.